The following is an entry in ClinVar:

ClinVar aggregate classification (germline): Uncertain significance. Review status: criteria provided, multiple submitters, no conflicts (2 of 4 stars). 2 submissions from 2 submitters: Uncertain significance (2). Last evaluated 2020-08-20.

Conditions:
Asphyxiating thoracic dystrophy 5 (SRTD5). Also called: SHORT-RIB THORACIC DYSPLASIA 5 WITH OR WITHOUT POLYDACTYLY; SHORT-RIB THORACIC DYSPLASIA 5 WITHOUT POLYDACTYLY. Identifiers: Orphanet 474, MedGen C3280598, MONDO:0013717, OMIM 614376.
Senior-Loken syndrome 8 (SLSN8). Identifiers: Orphanet 3156, MedGen C4225376, MONDO:0014579, OMIM 616307.

gnomAD v4.1: 3 of 1,590,650 alleles (0.00019%); highest among the groups gnomAD compares: Non-Finnish European, 0.00026%; no homozygotes.

Submissions (2):

Labcorp Genetics (formerly Invitae), Labcorp
Classification: Uncertain significance for Senior-Loken syndrome 8; Asphyxiating thoracic dystrophy 5. Last evaluated: 2020-08-20. Review status: criteria provided, single submitter. Criteria: Invitae Variant Classification Sherloc (09022015). Collection method: clinical testing. Allele origin: germline.
Comment: This variant is not present in population databases (ExAC no frequency). In summary, the available evidence is currently insufficient to determine the role of this variant in disease. Therefore, it has been classified as a Variant of Uncertain Significance. Algorithms developed to predict the effect of missense changes on protein structure and function (SIFT, PolyPhen-2, Align-GVGD) all suggest that this variant is likely to be disruptive, but these predictions have not been confirmed by published functional studies and their clinical significance is uncertain. This variant has not been reported in the literature in individuals with WDR19-related conditions. This sequence change replaces aspartic acid with tyrosine at codon 1051 of the WDR19 protein (p.Asp1051Tyr). The aspartic acid residue is highly conserved and there is a large physicochemical difference between aspartic acid and tyrosine.

Blueprint Genetics
Classification: Uncertain significance. Last evaluated: 2019-09-25. Review status: criteria provided, single submitter. Criteria: ACMG Guidelines, 2015. Collection method: clinical testing. Allele origin: germline.

NM_025132.4(WDR19):c.3151G>T (p.Asp1051Tyr)

Gene: WDR19 (WD repeat domain 19; plus strand). Cytogenetic location: 4p14.
Variant type: single nucleotide variant.
Coding change: c.3151G>T on transcript NM_025132.4 (MANE Select); coding-DNA position 3151, G replaced by T.
Protein change: p.Asp1051Tyr; replaces aspartic acid 1051 with tyrosine.
Molecular consequence: missense variant.
Genome position (GRCh38, 1-based): chr4:39,257,522, G>T. VCF-style: chr4-39257522-G-T. GRCh37 (hg19) VCF-style: chr4-39259142-G-T.
Other names: c.2671G>T, p.Asp891Tyr (NM_001317924.2); short protein forms D1051Y, D891Y.
Identifiers: ClinVar variation 1022107 (VCV001022107.9), dbSNP rs1387754769, ClinGen allele CA356643577.